The following is an entry in ClinVar:

NM_003282.4(TNNI2):c.472G>A (p.Val158Met)

Gene: TNNI2 (troponin I2, fast skeletal type; plus strand). Cytogenetic location: 11p15.5.
Variant type: single nucleotide variant.
Coding change: c.472G>A on transcript NM_003282.4 (MANE Select); coding-DNA position 472, G replaced by A.
Protein change: p.Val158Met; replaces valine 158 with methionine.
Molecular consequence: missense variant.
Genome position (GRCh38, 1-based): chr11:1,841,474, G>A. VCF-style: chr11-1841474-G-A. GRCh37 (hg19) VCF-style: chr11-1862704-G-A.
Other names: c.472G>A, p.Val158Met (NM_001145829.2, NM_001145841.2); short protein forms V158M.
Identifiers: ClinVar variation 1306536 (VCV001306536.4), dbSNP rs371341053, ClinGen allele CA5815313.

ClinVar aggregate classification (germline): Uncertain significance. Review status: criteria provided, multiple submitters, no conflicts (2 of 4 stars). 2 submissions from 2 submitters: Uncertain significance (2). Last evaluated 2022-01-26.

Conditions:
Inborn genetic diseases. Identifiers: MedGen C0950123, MeSH D030342.

Submissions (2):

Ambry Genetics
Classification: Uncertain significance for Inborn genetic diseases. Last evaluated: 2022-01-26. Review status: criteria provided, single submitter. Criteria: Ambry Variant Classification Scheme 2023. Collection method: clinical testing. Allele origin: germline.

GeneDx
Classification: Uncertain significance. Last evaluated: 2019-06-19. Review status: criteria provided, single submitter. Criteria: GeneDx Variant Classification Process June 2021. Collection method: clinical testing. Allele origin: germline. Affected: yes.
Comment: In silico analysis, which includes protein predictors and evolutionary conservation, supports that this variant does not alter protein structure/function; Has not been previously published as pathogenic or benign to our knowledge